The following is an entry in ClinVar:

ClinVar aggregate classification (germline): Pathogenic (1 of 4 stars; one submission).

Conditions:
Proteosome-associated autoinflammatory syndrome. Also called: Proteasome-associated autoinflammatory syndrome. Identifiers: Orphanet 324977, MedGen C1850568, MONDO:0009726.

Allele frequency attached by ClinVar (database versions not stated): gnomAD 0.00001; TOPMed 0.00001; ESP Exome Variant Server 0.00012.

Submission:

Labcorp Genetics (formerly Invitae), Labcorp
Classification: Pathogenic for Proteosome-associated autoinflammatory syndrome. Last evaluated: 2025-07-24. Review status: criteria provided, single submitter. Criteria: Invitae Variant Classification Sherloc (09022015). Collection method: clinical testing. Allele origin: germline.
Comment: This sequence change creates a premature translational stop signal (p.Arg141*) in the PSMB8 gene. It is expected to result in an absent or disrupted protein product. Loss-of-function variants in PSMB8 are known to be pathogenic (PMID: 26524591). This variant is present in population databases (rs374929612, gnomAD 0.006%). This variant has not been reported in the literature in individuals affected with PSMB8-related conditions. ClinVar contains an entry for this variant (Variation ID: 952176). For these reasons, this variant has been classified as Pathogenic.

Literature cited by the submitters: PubMed 26524591.

NM_148919.4(PSMB8):c.421C>T (p.Arg141Ter)

Gene: PSMB8 (proteasome 20S subunit beta 8; minus strand). Cytogenetic location: 6p21.32.
Variant type: single nucleotide variant.
Coding change: c.421C>T on transcript NM_148919.4 (MANE Select); coding-DNA position 421, C replaced by T.
Protein change: p.Arg141Ter; replaces arginine 141 with a stop codon.
Molecular consequence: nonsense.
Genome position (GRCh38, 1-based): chr6:32,842,250, G>A on the plus strand (C>T on the coding strand, the complement: PSMB8 is on the minus strand). VCF-style: chr6-32842250-G-A. GRCh37 (hg19) VCF-style: chr6-32810027-G-A.
Other names: c.409C>T, p.Arg137Ter (NM_004159.5); short protein forms R137*, R141*.
Identifiers: ClinVar variation 952176 (VCV000952176.6), dbSNP rs374929612, ClinGen allele CA3746380.
Genomic context (GRCh38, chr6:32,842,250, plus strand): 5'-GGCACATCATGTTGGACAGCAGCTTGGAGGCTGCCGACACTGAAATACGTTCTCCATTTC[G>A]CAGATAGTACAGCCTGGGTGAGGACAAGGTGGAGTGAGGAAAGAGAGGTTAGCTCTTTCC-3'